The following is an entry in ClinVar:

ClinVar aggregate classification (germline): Uncertain significance. Review status: criteria provided, multiple submitters, no conflicts (2 of 4 stars). 3 submissions from 3 submitters: Uncertain significance (3). Last evaluated 2021-04-12.

Allele frequency attached by ClinVar (database versions not stated): gnomAD exomes below 0.00001 and 0.00001; TOPMed 0.00001.
gnomAD v4.1: 10 of 1,613,636 alleles (0.00062%); highest among the groups gnomAD compares: Non-Finnish European, 0.00076%; no homozygotes.

Submissions (3):

GeneDx
Classification: Uncertain significance. Last evaluated: 2021-04-12. Review status: criteria provided, single submitter. Criteria: GeneDx Variant Classification Process June 2021. Collection method: clinical testing. Allele origin: germline. Affected: yes.
Comment: Not observed at a significant frequency in large population cohorts (Lek et al., 2016); Missense variant in a gene in which most reported pathogenic variants are truncating/loss-of-function; Has not been previously published as pathogenic or benign to our knowledge

Revvity Omics, Revvity
Classification: Uncertain significance. Last evaluated: 2020-07-28. Review status: criteria provided, single submitter. Criteria: ACMG Guidelines, 2015. Collection method: clinical testing. Allele origin: germline.

Biesecker Lab/Clinical Genomics Section, National Institutes of Health
Classification: Uncertain significance. Last evaluated: 2013-06-24. Review status: criteria provided, single submitter. Criteria: Ng et al. (Circ Cardiovasc Genet. 2013). Collection method: research. Allele origin: unknown. Observed: 1 variant allele. Study: ClinSeq.
Comment: The study set was not selected for affection status in relation to any cancer. Pathogenicity categories were based on literature curation. See Pubmed ID:23861362 for details.

Medical sequencing

NM_001267550.2(TTN):c.69650A>C (p.Glu23217Ala)

Genes: TTN (titin; minus strand), TTN-AS1 (TTN antisense RNA 1; plus strand), LOC126806422 (BRD4-independent group 4 enhancer GRCh37_chr2:179440205-179441404; plus strand). Cytogenetic location: 2q31.2.
Variant type: single nucleotide variant.
Coding change: c.69650A>C on transcript NM_001267550.2 (MANE Select); coding-DNA position 69650, A replaced by C.
Protein change: p.Glu23217Ala; replaces glutamic acid 23217 with alanine.
Molecular consequence: missense variant.
Genome position (GRCh38, 1-based): chr2:178,576,594, T>G on the plus strand (A>C on the coding strand, the complement: TTN is on the minus strand). VCF-style: chr2-178576594-T-G. GRCh37 (hg19) VCF-style: chr2-179441321-T-G.
Other names: c.64727A>C, p.Glu21576Ala (NM_001256850.1); c.42455A>C, p.Glu14152Ala (NM_003319.4); c.61946A>C, p.Glu20649Ala (NM_133378.4); c.42830A>C, p.Glu14277Ala (NM_133432.3); c.43031A>C, p.Glu14344Ala (NM_133437.4); short protein forms E20649A, E23217A, E14152A, E14277A, E21576A, E14344A.
Identifiers: ClinVar variation 191908 (VCV000191908.5), dbSNP rs72646884, ClinGen allele CA237842.